The following is an entry in ClinVar:

NM_012123.4(MTO1):c.103C>G (p.Pro35Ala)

Gene: MTO1 (mitochondrial tRNA translation optimization 1; plus strand). Cytogenetic location: 6q13.
Variant type: single nucleotide variant.
Coding change: c.103C>G on transcript NM_012123.4 (MANE Select); coding-DNA position 103, C replaced by G.
Protein change: p.Pro35Ala; replaces proline 35 with alanine.
Molecular consequence: missense variant.
Genome position (GRCh38, 1-based): chr6:73,461,957, C>G. VCF-style: chr6-73461957-C-G. GRCh37 (hg19) VCF-style: chr6-74171680-C-G.
Other names: c.103C>G, p.Pro35Ala (NM_001123226.2, NM_133645.3); short protein forms P35A.
Identifiers: ClinVar variation 1879663 (VCV001879663.34), dbSNP rs748413711, ClinGen allele CA140948643.

ClinVar aggregate classification (germline): Uncertain significance. Review status: criteria provided, multiple submitters, no conflicts (2 of 4 stars). 2 submissions from 2 submitters: Uncertain significance (2). Last evaluated 2022-10-01.

Conditions:
Mitochondrial hypertrophic cardiomyopathy with lactic acidosis due to MTO1 deficiency. Also called: CARDIOMYOPATHY, INFANTILE HYPERTROPHIC MITOCHONDRIAL, AND LACTIC ACIDOSIS; Combined oxidative phosphorylation deficiency 10. Identifiers: Orphanet 314637, MedGen C4749921, MONDO:0013865, OMIM 614702.

Allele frequency attached by ClinVar (database versions not stated): gnomAD exomes 0.00001.
gnomAD v4.1: 10 of 1,614,262 alleles (0.00062%); highest among the groups gnomAD compares: Non-Finnish European, 0.00068%; no homozygotes.

Submissions (2):

CeGaT Center for Human Genetics Tuebingen
Classification: Uncertain significance. Last evaluated: 2022-10-01. Review status: criteria provided, single submitter. Criteria: CeGaT Center For Human Genetics Tuebingen Variant Classification Criteria Version 2. Collection method: clinical testing. Allele origin: germline. Affected: yes. Observed: 1 variant allele.
Comment: MTO1: PM2, BP4

Labcorp Genetics (formerly Invitae), Labcorp
Classification: Uncertain significance for Mitochondrial hypertrophic cardiomyopathy with lactic acidosis due to MTO1 deficiency. Last evaluated: 2022-05-20. Review status: criteria provided, single submitter. Criteria: Invitae Variant Classification Sherloc (09022015). Collection method: clinical testing. Allele origin: germline.
Comment: In summary, the available evidence is currently insufficient to determine the role of this variant in disease. Therefore, it has been classified as a Variant of Uncertain Significance. Algorithms developed to predict the effect of missense changes on protein structure and function output the following: SIFT: "Tolerated"; PolyPhen-2: "Benign"; Align-GVGD: "Class C0". The alanine amino acid residue is found in multiple mammalian species, which suggests that this missense change does not adversely affect protein function. This variant has not been reported in the literature in individuals affected with MTO1-related conditions. This variant is not present in population databases (gnomAD no frequency). This sequence change replaces proline, which is neutral and non-polar, with alanine, which is neutral and non-polar, at codon 35 of the MTO1 protein (p.Pro35Ala).